The following is an entry in ClinVar:

ClinVar aggregate classification (germline): Uncertain significance. Review status: criteria provided, multiple submitters, no conflicts (2 of 4 stars). 2 submissions from 2 submitters: Uncertain significance (2). Last evaluated 2022-04-05.

Conditions:
Hereditary cancer-predisposing syndrome. Also called: Neoplastic Syndromes, Hereditary; Tumor predisposition; Hereditary Cancer Syndrome; Hereditary neoplastic syndrome. Identifiers: Orphanet 140162, MedGen C0027672, MeSH D009386, MONDO:0015356.
Rhabdoid tumor predisposition syndrome 2 (RTPS2). Identifiers: Orphanet 231108, Orphanet 69077, MedGen C2750074, MONDO:0013224, OMIM 613325.

Submissions (2):

Ambry Genetics
Classification: Uncertain significance for Hereditary cancer-predisposing syndrome. Last evaluated: 2022-04-05. Review status: criteria provided, single submitter. Criteria: Ambry Variant Classification Scheme 2023. Collection method: clinical testing. Allele origin: germline.
Comment: The c.684_731dup48 variant (also known as p.G229_P244dup), located in coding exon 3 of the SMARCA4 gene, results from an in-frame duplication of 48 nucleotides at nucleotide positions 684 to 731. This results in the duplication of 16 extra residues (GPGPGPGPGPGPGPGP) between codons 229 and 244. This in-frame variant is in a repetitive region of the gene and has no known function or association with disease. Missense and in-frame variants in SMARCA4 are known to cause neurodevelopmental disorders; however, such associations with rhabdoid tumor predisposition syndrome including small cell carcinoma of the ovary-hypercalcemic type (SCCOHT) are exceedingly rare (Kosho T et al. Am J Med Genet C Semin Med Genet. 2014 Sep;166C(3):262-75; Jelinic P et al. Nat Genet. 2014 May;46(5):424-6). This amino acid region is well conserved in available vertebrate species. Based on the supporting evidence, the association of this alteration with Coffin-Siris syndrome is unknown; however, the association of this alteration with rhabdoid tumor predisposition is unlikely.

Labcorp Genetics (formerly Invitae), Labcorp
Classification: Uncertain significance for Rhabdoid tumor predisposition syndrome 2. Last evaluated: 2022-01-16. Review status: criteria provided, single submitter. Criteria: Invitae Variant Classification Sherloc (09022015). Collection method: clinical testing. Allele origin: germline.
Comment: Algorithms developed to predict the effect of sequence changes on RNA splicing suggest that this variant may create or strengthen a splice site. In summary, the available evidence is currently insufficient to determine the role of this variant in disease. Therefore, it has been classified as a Variant of Uncertain Significance. This variant, c.684_731dup, results in the insertion of 16 amino acid(s) of the SMARCA4 protein (p.Gly229_Pro244dup), but otherwise preserves the integrity of the reading frame. This variant is not present in population databases (gnomAD no frequency). This variant has not been reported in the literature in individuals affected with SMARCA4-related conditions.

NM_003072.5(SMARCA4):c.684_731dup (p.Pro244_Ala245insGlyProGlyProGlyProGlyProGlyProGlyProGlyProGlyPro)

Gene: SMARCA4 (SWI/SNF related BAF chromatin remodeling complex subunit ATPase 4; plus strand). Cytogenetic location: 19p13.2.
Variant type: Duplication.
Coding change: c.684_731dup on transcript NM_003072.5 (MANE Select); coding-DNA positions 684 to 731, 48 bases duplicated.
Protein change: p.Pro244_Ala245insGlyProGlyProGlyProGlyProGlyProGlyProGlyProGlyPro.
Molecular consequence: inframe insertion. On other transcripts: inframe indel (1), non-coding transcript variant (1).
Genome position (GRCh38, 1-based): chr19:10,986,517-10,986,564, 48 bases duplicated; duplicating any 48 consecutive bases within chr19:10,986,516-10,986,564 gives the same sequence; the c. name uses the placement nearest the transcript's 3' end. GRCh37 (hg19): chr19:11,097,193-11,097,240.
Other names: c.684_731dup, p.Pro244_Ala245insGlyProGlyProGlyProGlyProGlyProGlyProGlyProGlyPro (NM_001128844.3, NM_001128845.2, NM_001128846.2 and 6 more transcripts).
Identifiers: ClinVar variation 1755735 (VCV001755735.7), dbSNP rs2514004224, ClinGen allele CA2580096221.